The following is an entry in ClinVar:

NM_001123385.2(BCOR):c.2457_2476delinsTC (p.Asn820_Phe826delinsLeu)

Gene: BCOR (BCL6 corepressor; minus strand). Cytogenetic location: Xp11.4.
Variant type: Indel.
Coding change: c.2457_2476delinsTC on transcript NM_001123385.2 (MANE Select); coding-DNA positions 2457 to 2476, AAACGTGTCCAAACCCAGCT replaced by TC.
Protein change: p.Asn820_Phe826delinsLeu.
Molecular consequence: inframe indel.
Genome position (GRCh38, 1-based): chrX:40,072,870-40,072,889, AGCTGGGTTTGGACACGTTT replaced by GA on the plus strand (AAACGTGTCCAAACCCAGCT replaced by TC on the coding strand, the reverse complement: BCOR is on the minus strand). VCF-style: chrX-40072870-AGCTGGGTTTGGACACGTTT-GA. GRCh37 (hg19) VCF-style: chrX-39932123-AGCTGGGTTTGGACACGTTT-GA.
Other names: c.2457_2476del20insTC, p.Asn820_Phe826delinsLeu (NM_001123383.2); c.2457_2476delinsTC, p.Asn820_Phe826delinsLeu (NM_001123384.2, NM_017745.6).
Identifiers: ClinVar variation 3234831 (VCV003234831.20), dbSNP rs2519940063, ClinGen allele CA2825002941.

ClinVar aggregate classification (germline): Uncertain significance (1 of 4 stars; one submission).

Submission:

CeGaT Center for Human Genetics Tuebingen
Classification: Uncertain significance. Last evaluated: 2024-04-01. Review status: criteria provided, single submitter. Criteria: CeGaT Center For Human Genetics Tuebingen Variant Classification Criteria Version 2. Collection method: clinical testing. Allele origin: germline. Affected: yes. Observed: 1 variant allele.
Comment: BCOR: PM2, PM4